The following is an entry in ClinVar:

NM_000258.3(MYL3):c.504del (p.Val169fs)

Gene: MYL3 (myosin light chain 3; minus strand). Cytogenetic location: 3p21.31.
Variant type: Deletion.
Coding change: c.504del on transcript NM_000258.3 (MANE Select); coding-DNA position 504, one base deleted (A; older notation c.504delA).
Protein change: p.Val169fs; shifts the reading frame from valine 169.
Molecular consequence: frameshift variant.
Genome position (GRCh38, 1-based): chr3:46,858,439, T deleted on the plus strand (A on the coding strand, the reverse complement: MYL3 is on the minus strand); the first of 2 consecutive T bases (chr3:46,858,439-46,858,440); deleting either gives the same sequence. VCF-style (leftmost placement, unchanged base first): chr3-46858438-CT-C. GRCh37 (hg19) VCF-style: chr3-46899928-CT-C.
Other names: c.504del, p.Val169fs (NM_001406937.1, NM_001406938.1, NM_001406939.1); c.330del, p.Val111fs (NM_001406940.1); c.315del, p.Val106fs (NM_001406941.1); short protein forms V106fs, V111fs, V169fs.
Identifiers: ClinVar variation 3072685 (VCV003072685.1), dbSNP rs2544963113, ClinGen allele CA2665478260.

ClinVar aggregate classification (germline): Uncertain significance (1 of 4 stars; one submission).

Conditions:
Hypertrophic cardiomyopathy. Also called: HYPERTROPHIC MYOCARDIOPATHY. Identifiers: Orphanet 217569, MedGen C0007194, MeSH D002312, MONDO:0005045, HP:0001639.

Submission:

All of Us Research Program, National Institutes of Health
Classification: Uncertain significance for Hypertrophic cardiomyopathy. Last evaluated: 2023-08-15. Review status: criteria provided, single submitter. Criteria: ACMG Guidelines, 2015. Collection method: clinical testing. Allele origin: germline. Inheritance: Autosomal dominant inheritance. Observed: 1 variant allele, 1 heterozygote.
Comment: This variant deletes 1 nucleotide in exon 5 of the MYL3 gene, creating a frameshift and premature translation stop signal. This variant is expected to result in an absent or non-functional protein product. To our knowledge, this variant has not been reported in individuals affected with MYL3-related disorders in the literature. This variant has not been identified in the general population by the Genome Aggregation Database (gnomAD). Clinical relevance of loss-of-function MYL3 truncation variants in autosomal dominant cardiovascular disorders is not clearly established. The available evidence is insufficient to determine the role of this variant in disease conclusively. Therefore, this variant is classified as a Variant of Uncertain Significance.

This study involves interpretation of variants in research participants for the purpose of population health screening. Participant phenotype was not available at the time of variant classification. Additional details can be found in publication PMID: 35346344, PMCID: PMC8962531